The following is an entry in ClinVar:

NM_005862.3(STAG1):c.1640C>T (p.Thr547Ile)

Gene: STAG1 (STAG1 cohesin complex component; minus strand). Cytogenetic location: 3q22.3.
Variant type: single nucleotide variant.
Coding change: c.1640C>T on transcript NM_005862.3 (MANE Select); coding-DNA position 1640, C replaced by T.
Protein change: p.Thr547Ile; replaces threonine 547 with isoleucine.
Molecular consequence: missense variant.
Genome position (GRCh38, 1-based): chr3:136,433,566, G>A on the plus strand (C>T on the coding strand, the complement: STAG1 is on the minus strand). VCF-style: chr3-136433566-G-A. GRCh37 (hg19) VCF-style: chr3-136152408-G-A.
Other names: short protein forms T547I.
Identifiers: ClinVar variation 2775509 (VCV002775509.3), dbSNP rs765026473, ClinGen allele CA2632845.

ClinVar aggregate classification (germline): Uncertain significance (1 of 4 stars; one submission).

Allele frequency attached by ClinVar (database versions not stated): ExAC 0.00001.
gnomAD v4.1: 2 of 1,599,520 alleles (0.00013%); highest among the groups gnomAD compares: South Asian, 0.0023%; no homozygotes.

Submission:

Labcorp Genetics (formerly Invitae), Labcorp
Classification: Uncertain significance. Last evaluated: 2024-06-03. Review status: criteria provided, single submitter. Criteria: Invitae Variant Classification Sherloc (09022015). Collection method: clinical testing. Allele origin: germline.
Comment: This sequence change replaces threonine, which is neutral and polar, with isoleucine, which is neutral and non-polar, at codon 547 of the STAG1 protein (p.Thr547Ile). The frequency data for this variant in the population databases is considered unreliable, as metrics indicate poor data quality at this position in the gnomAD database. This variant has not been reported in the literature in individuals affected with STAG1-related conditions. Advanced modeling of protein sequence and biophysical properties (such as structural, functional, and spatial information, amino acid conservation, physicochemical variation, residue mobility, and thermodynamic stability) performed at Invitae indicates that this missense variant is not expected to disrupt STAG1 protein function with a negative predictive value of 80%. In summary, the available evidence is currently insufficient to determine the role of this variant in disease. Therefore, it has been classified as a Variant of Uncertain Significance.